The following is an entry in ClinVar:

NM_020680.4(SCYL1):c.1652-8C>T

Gene: SCYL1 (SCY1 like pseudokinase 1; plus strand). Cytogenetic location: 11q13.1.
Variant type: single nucleotide variant.
Coding change: c.1652-8C>T on transcript NM_020680.4 (MANE Select); 8 bases into the intron before coding-DNA position 1652, C replaced by T.
Molecular consequence: intron variant.
Genome position (GRCh38, 1-based): chr11:65,536,578, C>T. VCF-style: chr11-65536578-C-T. GRCh37 (hg19) VCF-style: chr11-65304049-C-T.
Other names: c.1223-8C>T (NM_001425203.1, NM_001425207.1, NM_001425204.1 and 2 more transcripts); c.1397-8C>T (NM_001425199.1); c.1652-8C>T (NM_001425196.1, NM_001425188.1, NM_001425185.1 and 16 more transcripts); c.1652-140C>T (NM_001425193.1); c.1574-8C>T (NM_001425187.1); c.1538-8C>T (NM_001425191.1); c.1568-8C>T (NM_001425189.1); c.1388-8C>T (NM_001425200.1); and 2 more.
Identifiers: ClinVar variation 3702656 (VCV003702656.4).

ClinVar aggregate classification (germline): Likely benign. Review status: criteria provided, multiple submitters, no conflicts (2 of 4 stars). 3 submissions from 3 submitters: Likely benign (3). Last evaluated 2026-03-24.

Conditions:
SCYL1-related disorder. Also called: SCYL1-related condition.

gnomAD v4.1: 594 of 1,613,790 alleles (0.037%); highest among the groups gnomAD compares: Non-Finnish European, 0.047%; 1 homozygote.

Submissions (3):

PreventionGenetics, part of Exact Sciences
Classification: Likely benign for SCYL1-related condition. Last evaluated: 2026-03-24. Review status: criteria provided, single submitter. Criteria: ACMG Guidelines, 2015. Collection method: clinical testing. Allele origin: germline.
Comment: This variant is classified as likely benign based on ACMG/AMP sequence variant interpretation guidelines (Richards et al. 2015 PMID: 25741868, with internal and published modifications).

Labcorp Genetics (formerly Invitae), Labcorp
Classification: Likely benign. Last evaluated: 2026-01-26. Review status: criteria provided, single submitter. Criteria: Invitae Variant Classification Sherloc (09022015). Collection method: clinical testing. Allele origin: germline.

Blueprint Genetics
Classification: Likely benign. Last evaluated: 2024-11-26. Review status: criteria provided, single submitter. Criteria: ACMG Guidelines, 2015. Collection method: clinical testing. Allele origin: germline.